The following is an entry in ClinVar:

NM_000504.4(F10):c.70+1G>A

Gene: F10 (coagulation factor X; plus strand). Cytogenetic location: 13q34.
Variant type: single nucleotide variant.
Coding change: c.70+1G>A on transcript NM_000504.4 (MANE Select); the canonical splice donor site of the intron after coding-DNA position 70, G replaced by A.
Molecular consequence: splice donor variant.
Genome position (GRCh38, 1-based): chr13:113,122,926, G>A. VCF-style: chr13-113122926-G-A. GRCh37 (hg19) VCF-style: chr13-113777240-G-A.
Other names: c.70+1G>A (NM_001312675.2, NM_001312674.2).
Identifiers: ClinVar variation 3349025 (VCV003349025.1).
Genomic context (GRCh38, chr13:113,122,926, plus strand): 5'-CACTGCACCTCGTCCTGCTCAGTGCCTCCCTGGCTGGCCTCCTGCTGCTCGGGGAAAGTC[G>A]TAAGTGCCCCTCGCCCTTCAGACCCAAAAGCAGCGCCAGGGAGCAGGGAGGGGCGGCAGT-3'

ClinVar aggregate classification (germline): Likely pathogenic (0 of 4 stars; one submission).

Conditions:
F10-related disorder. Also called: F10-related condition.

gnomAD v4.1: 24 of 1,609,256 alleles (0.0015%); highest among the groups gnomAD compares: African/African-American, 0.0027%; no homozygotes.

Submission:

PreventionGenetics, part of Exact Sciences
Classification: Likely pathogenic for F10-related condition. Last evaluated: 2024-08-06. Review status: no assertion criteria provided. Collection method: clinical testing. Allele origin: germline.
Comment: The F10 c.70+1G>A variant is predicted to disrupt the GT donor site and interfere with normal splicing. This variant was reported in the compound heterozygous state in an individual with Factor X deficiency (Wang et al. 2004. PubMed ID: 15569527). This variant is reported in 0.0081% of alleles in individuals of African descent in gnomAD. Variants that disrupt the consensus splice donor site in F10 are expected to be pathogenic. This variant is interpreted as likely pathogenic.